The following is an entry in ClinVar:

ClinVar aggregate classification (germline): Pathogenic (1 of 4 stars; one submission).

Conditions:
Hereditary cancer-predisposing syndrome. Also called: Neoplastic Syndromes, Hereditary; Hereditary Cancer Syndrome; Hereditary neoplastic syndrome; Tumor predisposition. Identifiers: Orphanet 140162, MedGen C0027672, MeSH D009386, MONDO:0015356.

Submission:

Ambry Genetics
Classification: Pathogenic for Hereditary cancer-predisposing syndrome. Last evaluated: 2023-06-01. Review status: criteria provided, single submitter. Criteria: Ambry Variant Classification Scheme 2023. Collection method: clinical testing. Allele origin: germline.
Comment: The c.4115_4116insC pathogenic mutation, located in coding exon 10 of the BRCA2 gene, results from an insertion of one nucleotide at position 4115, causing a translational frameshift with a predicted alternate stop codon (p.M1373Yfs*9). This variant is considered to be rare based on population cohorts in the Genome Aggregation Database (gnomAD). This alteration is expected to result in loss of function by premature protein truncation or nonsense-mediated mRNA decay. As such, this alteration is interpreted as a disease-causing mutation.

NM_000059.4(BRCA2):c.4115_4116insC (p.Met1373fs)

Gene: BRCA2 (BRCA2 DNA repair associated; plus strand). Cytogenetic location: 13q13.1.
Variant type: Insertion.
Coding change: c.4115_4116insC on transcript NM_000059.4 (MANE Select); coding-DNA positions 4115 to 4116, C inserted.
Protein change: p.Met1373fs; shifts the reading frame from methionine 1373.
Molecular consequence: frameshift variant. On other transcripts: non-coding transcript variant (1), intron variant (2).
Genome position: GRCh38 VCF-style: chr13-32338470-T-TC. GRCh37 (hg19) VCF-style: chr13-32912607-T-TC.
Other names: c.4115_4116insC, p.Met1373fs (NM_001406719.1, NM_001406720.1); c.1909+5083_1909+5084insC (NM_001406721.1); c.425-6088_425-6087insC (NM_001406722.1); short protein forms M1373fs.
Identifiers: ClinVar variation 2566034 (VCV002566034.2), dbSNP rs2548527666, ClinGen allele CA2580614675.